The following is an entry in ClinVar:

ClinVar aggregate classification (germline): Uncertain significance (1 of 4 stars; one submission).

Conditions:
CC2D2A-related disorder. Also called: CC2D2A-related condition; CC2D2A-related disorders. Identifiers: MedGen CN239313.

gnomAD v4.1: 2 of 1,612,512 alleles (0.00012%); highest among the groups gnomAD compares: Admixed American, 0.0033%; no homozygotes.

Submission:

PreventionGenetics, part of Exact Sciences
Classification: Uncertain significance for CC2D2A-related condition. Last evaluated: 2025-10-12. Review status: criteria provided, single submitter. Criteria: ACMG Guidelines, 2015. Collection method: clinical testing. Allele origin: germline.
Comment: The CC2D2A c.1157A>G variant is predicted to result in the amino acid substitution p.Lys386Arg. To our knowledge, this variant has not been reported in the literature. This variant is reported in 0.0029% of alleles in individuals of Latino descent in gnomAD. At this time, the clinical significance of this variant is uncertain due to the absence of conclusive functional and genetic evidence.

NM_001378615.1(CC2D2A):c.1157A>G (p.Lys386Arg)

Genes: CC2D2A (coiled-coil and C2 domain containing 2A; plus strand), FBXL5 (F-box and leucine rich repeat protein 5; minus strand). Cytogenetic location: 4p15.32.
Variant type: single nucleotide variant.
Coding change: c.1157A>G on transcript NM_001378615.1 (MANE Select); coding-DNA position 1157, A replaced by G.
Protein change: p.Lys386Arg; replaces lysine 386 with arginine.
Molecular consequence: missense variant.
Genome position (GRCh38, 1-based): chr4:15,527,454, A>G. VCF-style: chr4-15527454-A-G. GRCh37 (hg19) VCF-style: chr4-15529077-A-G.
Other names: c.1157A>G, p.Lys386Arg (NM_001080522.2); c.1010A>G, p.Lys337Arg (NM_001378617.1); short protein forms K337R, K386R.
Identifiers: ClinVar variation 4977707 (VCV004977707.1).
Genomic context (GRCh38, chr4:15,527,454, plus strand): 5'-TATCTAGTAAGTGCTTTAACTGTGTTCTGTCTACACTCTGCTTTCCTTGGCAGGCTGTAA[A>G]ATACGTTCACAGTAGTCAGCATGTGATCAGATCTGGAGACCCTCCTGGAAATTTCCAACT-3'
Protein context (NP_001365544.1, residues 376-396): ELETLYKKAV[Lys386Arg]YVHSSQHVIR